The following is an entry in ClinVar:

NM_001014987.2(LAT):c.539G>A (p.Ser180Asn)

Gene: LAT (linker for activation of T cells; plus strand). Cytogenetic location: 16p11.2.
Variant type: single nucleotide variant.
Coding change: c.539G>A on transcript NM_001014987.2 (MANE Select); coding-DNA position 539, G replaced by A.
Protein change: p.Ser180Asn; replaces serine 180 with asparagine.
Molecular consequence: missense variant.
Genome position (GRCh38, 1-based): chr16:28,989,572, G>A. VCF-style: chr16-28989572-G-A. GRCh37 (hg19) VCF-style: chr16-29000893-G-A.
Other names: c.536G>A, p.Ser179Asn (NM_001014988.2); c.647G>A, p.Ser216Asn (NM_001014989.2); c.626G>A, p.Ser209Asn (NM_014387.4); short protein forms S216N, S179N, S180N, S209N.
Identifiers: ClinVar variation 1953979 (VCV001953979.5), dbSNP rs2506693218, ClinGen allele CA395443626.

ClinVar aggregate classification (germline): Uncertain significance (1 of 4 stars; one submission).

Submission:

Labcorp Genetics (formerly Invitae), Labcorp
Classification: Uncertain significance. Last evaluated: 2024-10-16. Review status: criteria provided, single submitter. Criteria: Invitae Variant Classification Sherloc (09022015). Collection method: clinical testing. Allele origin: germline.
Comment: This sequence change replaces serine, which is neutral and polar, with asparagine, which is neutral and polar, at codon 180 of the LAT protein (p.Ser180Asn). This variant is not present in population databases (gnomAD no frequency). This variant has not been reported in the literature in individuals affected with LAT-related conditions. ClinVar contains an entry for this variant (Variation ID: 1953979). An algorithm developed to predict the effect of missense changes on protein structure and function (PolyPhen-2) suggests that this variant is likely to be disruptive. In summary, the available evidence is currently insufficient to determine the role of this variant in disease. Therefore, it has been classified as a Variant of Uncertain Significance.